The following is an entry in ClinVar:

ClinVar aggregate classification (germline): Benign (1 of 4 stars; one submission).

Allele frequency attached by ClinVar (database versions not stated): gnomAD 0.14765 and 0.15059; TOPMed 0.14959; 1000 Genomes Project 30x 0.18410; 1000 Genomes Project 0.18710.
gnomAD v4.1: 22,948 of 151,624 alleles (15%); highest among the groups gnomAD compares: East Asian, 36%; 1,895 homozygotes.

Submission:

GeneDx
Classification: Benign. Last evaluated: 2018-06-14. Review status: criteria provided, single submitter. Criteria: GeneDx Variant Classification (06012015). Collection method: clinical testing. Allele origin: germline. Affected: yes.
Comment: This variant is considered likely benign or benign based on one or more of the following criteria: it is a conservative change, it occurs at a poorly conserved position in the protein, it is predicted to be benign by multiple in silico algorithms, and/or has population frequency not consistent with disease.

NM_000138.5(FBN1):c.1714+306G>A

Gene: FBN1 (fibrillin 1; minus strand). Cytogenetic location: 15q21.1.
Variant type: single nucleotide variant.
Coding change: c.1714+306G>A on transcript NM_000138.5 (MANE Select); 306 bases into the intron after coding-DNA position 1714, G replaced by A.
Molecular consequence: intron variant.
Genome position (GRCh38, 1-based): chr15:48,509,738, C>T on the plus strand (G>A on the coding strand, the complement: FBN1 is on the minus strand). VCF-style: chr15-48509738-C-T. GRCh37 (hg19) VCF-style: chr15-48801935-C-T.
Identifiers: ClinVar variation 680682 (VCV000680682.1), dbSNP rs8030753, ClinGen allele CA14170182.